The following is an entry in ClinVar:

NM_000254.3(MTR):c.2983A>G (p.Lys995Glu)

Gene: MTR (5-methyltetrahydrofolate-homocysteine methyltransferase; plus strand). Cytogenetic location: 1q43.
Variant type: single nucleotide variant.
Coding change: c.2983A>G on transcript NM_000254.3 (MANE Select); coding-DNA position 2983, A replaced by G.
Protein change: p.Lys995Glu; replaces lysine 995 with glutamic acid.
Molecular consequence: missense variant.
Genome position (GRCh38, 1-based): chr1:236,889,312, A>G. VCF-style: chr1-236889312-A-G. GRCh37 (hg19) VCF-style: chr1-237052612-A-G.
Other names: c.2830A>G, p.Lys944Glu (NM_001291939.1); c.1762A>G, p.Lys588Glu (NM_001291940.2); c.2794A>G, p.Lys932Glu (NM_001410942.1); short protein forms K588E, K995E, K932E, K944E.
Identifiers: ClinVar variation 3399637 (VCV003399637.2).

ClinVar aggregate classification (germline): Uncertain significance. Review status: criteria provided, multiple submitters, no conflicts (2 of 4 stars). 2 submissions from 2 submitters: Uncertain significance (2). Last evaluated 2024-09-03.

Conditions:
Inborn genetic diseases. Identifiers: MedGen C0950123, MeSH D030342.

gnomAD v4.1: 3 of 1,614,084 alleles (0.00019%); highest among the groups gnomAD compares: African/African-American, 0.004%; no homozygotes.

Submissions (2):

Ambry Genetics
Classification: Uncertain significance for Inborn genetic diseases. Last evaluated: 2024-09-03. Review status: criteria provided, single submitter. Criteria: Ambry Variant Classification Scheme 2023. Collection method: clinical testing. Allele origin: germline.

GeneDx
Classification: Uncertain significance. Last evaluated: 2024-07-18. Review status: criteria provided, single submitter. Criteria: GeneDx Variant Classification Process June 2021. Collection method: clinical testing. Allele origin: germline. Affected: yes.
Comment: In silico analysis supports that this missense variant has a deleterious effect on protein structure/function; Has not been previously published as pathogenic or benign to our knowledge